The following is an entry in ClinVar:

NM_016203.4(PRKAG2):c.1192A>G (p.Ile398Val)

Gene: PRKAG2 (protein kinase AMP-activated non-catalytic subunit gamma 2; minus strand). Cytogenetic location: 7q36.1.
Variant type: single nucleotide variant.
Coding change: c.1192A>G on transcript NM_016203.4 (MANE Select); coding-DNA position 1192, A replaced by G.
Protein change: p.Ile398Val; replaces isoleucine 398 with valine.
Molecular consequence: missense variant.
Genome position (GRCh38, 1-based): chr7:151,568,757, T>C on the plus strand (A>G on the coding strand, the complement: PRKAG2 is on the minus strand). VCF-style: chr7-151568757-T-C. GRCh37 (hg19) VCF-style: chr7-151265843-T-C.
Other names: c.1060A>G, p.Ile354Val (NM_001040633.2); c.817A>G, p.Ile273Val (NM_001304527.2); c.469A>G, p.Ile157Val (NM_001304531.2, NM_024429.2); c.820A>G, p.Ile274Val (NM_001363698.2); c.1192A>G (NM_016203.3); short protein forms I157V, I273V, I274V, I354V, I398V.
Identifiers: ClinVar variation 1171883 (VCV001171883.4), dbSNP rs2151008313, ClinGen allele CA370071494.

ClinVar aggregate classification (germline): Uncertain significance. Review status: criteria provided, multiple submitters, no conflicts (2 of 4 stars). 2 submissions from 2 submitters: Uncertain significance (2). Last evaluated 2025-08-18.

Conditions:
Cardiovascular phenotype. Identifiers: MedGen CN230736.
Cardiomyopathy (CMYO). Also called: Cardiomyopathies. Identifiers: Orphanet 167848, MedGen C0878544, MONDO:0004994, HP:0001638. Inheritance: Various modes of inheritance.

Submissions (2):

Ambry Genetics
Classification: Uncertain significance for Cardiovascular phenotype. Last evaluated: 2025-08-18. Review status: criteria provided, single submitter. Criteria: Ambry Variant Classification Scheme 2023. Collection method: clinical testing. Allele origin: germline.
Comment: The p.I398V variant (also known as c.1192A>G), located in coding exon 11 of the PRKAG2 gene, results from an A to G substitution at nucleotide position 1192. The isoleucine at codon 398 is replaced by valine, an amino acid with highly similar properties. This amino acid position is highly conserved in available vertebrate species. In addition, this alteration is predicted to be deleterious by in silico analysis. Based on the available evidence, the clinical significance of this variant remains unclear.

Color Diagnostics, LLC DBA Color Health
Classification: Uncertain significance for Cardiomyopathy. Last evaluated: 2024-03-07. Review status: criteria provided, single submitter. Criteria: ACMG Guidelines, 2015. Collection method: clinical testing. Allele origin: germline.
Comment: This missense variant replaces isoleucine with valine at codon 398 of the PRKAG2 protein. Computational prediction is inconclusive regarding the impact of this variant on protein structure and function (internally defined REVEL score threshold 0.5 < inconclusive < 0.7, PMID: 27666373). To our knowledge, functional studies have not been reported for this variant. This variant has not been reported in individuals affected with cardiovascular disorders in the literature. This variant has not been identified in the general population by the Genome Aggregation Database (gnomAD). The available evidence is insufficient to determine the role of this variant in disease conclusively. Therefore, this variant is classified as a Variant of Uncertain Significance.